The following is an entry in ClinVar:

NM_014804.3(KIAA0753):c.2686C>T (p.Gln896Ter)

Gene: KIAA0753 (KIAA0753; minus strand). Cytogenetic location: 17p13.1.
Variant type: single nucleotide variant.
Coding change: c.2686C>T on transcript NM_014804.3 (MANE Select); coding-DNA position 2686, C replaced by T.
Protein change: p.Gln896Ter; replaces glutamine 896 with a stop codon.
Molecular consequence: nonsense. On other transcripts: non-coding transcript variant (3).
Genome position (GRCh38, 1-based): chr17:6,589,879, G>A on the plus strand (C>T on the coding strand, the complement: KIAA0753 is on the minus strand). VCF-style: chr17-6589879-G-A. GRCh37 (hg19) VCF-style: chr17-6493199-G-A.
Other names: c.1789C>T, p.Gln597Ter (NM_001351225.2); short protein forms Q896*, Q597*.
Identifiers: ClinVar variation 730616 (VCV000730616.7), dbSNP rs149782904, ClinGen allele CA8330072.

ClinVar aggregate classification (germline): Likely benign. Review status: criteria provided, multiple submitters, no conflicts (2 of 4 stars). 3 submissions from 3 submitters: Likely benign (2). 1 of the submissions does not count toward it. Last evaluated 2024-09-02.

Conditions:
KIAA0753-related disorder.

Allele frequency attached by ClinVar (database versions not stated): gnomAD exomes 0.00022 and 0.00062; ExAC 0.00075; ESP Exome Variant Server 0.00200; gnomAD 0.00232 and 0.00239; TOPMed 0.00251; 1000 Genomes Project 30x 0.00297; 1000 Genomes Project 0.00319.
gnomAD v4.1: 679 of 1,613,730 alleles (0.042%); highest among the groups gnomAD compares: African/African-American, 0.79%; 4 homozygotes.

Submissions (3):

Blueprint Genetics
Classification: Likely benign. Last evaluated: 2024-09-02. Review status: criteria provided, single submitter. Criteria: ACMG Guidelines, 2015. Collection method: clinical testing. Allele origin: germline.

Labcorp Genetics (formerly Invitae), Labcorp
Classification: Likely benign. Last evaluated: 2019-12-31. Review status: criteria provided, single submitter. Criteria: Invitae Variant Classification Sherloc (09022015). Collection method: clinical testing. Allele origin: germline.

PreventionGenetics, part of Exact Sciences
Classification: Likely benign for KIAA0753-related condition. Last evaluated: 2023-02-28. Review status: no assertion criteria provided. Collection method: clinical testing. Allele origin: germline. Not counted in ClinVar's aggregate classification.
Comment: This variant is classified as likely benign based on ACMG/AMP sequence variant interpretation guidelines (Richards et al. 2015 PMID: 25741868, with internal and published modifications).